The following is an entry in ClinVar:

ClinVar aggregate classification (germline): Conflicting classifications of pathogenicity. Review status: criteria provided, conflicting classifications (1 of 4 stars). 8 submissions from 8 submitters: Uncertain significance (3); Likely benign (2). 3 of the submissions do not count toward it. Last evaluated 2026-02-01.

Conditions:
IFT172-related disorder. Also called: IFT172-related condition; IFT172-related disorders.
Bardet-Biedl syndrome 20. Identifiers: MedGen C4310707, MONDO:0023670, OMIM 619471, MONDO:0014926.
Retinitis pigmentosa 71 (RP71). Identifiers: Orphanet 791, MedGen C4225342, MONDO:0014618, OMIM 616394.
Short-rib thoracic dysplasia 10 with or without polydactyly (SRTD10). Identifiers: Orphanet 474, MedGen C3810175, MONDO:0014284, OMIM 615630.

Allele frequency attached by ClinVar (database versions not stated): TOPMed 0.00001; gnomAD exomes 0.00002 and 0.00003; ExAC 0.00004; gnomAD 0.00005 and 0.00001; 1000 Genomes Project 0.00080; 1000 Genomes Project 30x 0.00062.
gnomAD v4.1: 36 of 1,614,170 alleles (0.0022%); highest among the groups gnomAD compares: African/African-American, 0.025%; no homozygotes.

Submissions (8):

Labcorp Genetics (formerly Invitae), Labcorp
Classification: Likely benign for Retinitis pigmentosa 71; Short-rib thoracic dysplasia 10 with or without polydactyly. Last evaluated: 2026-02-01. Review status: criteria provided, single submitter. Criteria: Invitae Variant Classification Sherloc (09022015). Collection method: clinical testing. Allele origin: germline.

GeneDx
Classification: Uncertain significance. Last evaluated: 2024-10-08. Review status: criteria provided, single submitter. Criteria: GeneDx Variant Classification Process June 2021. Collection method: clinical testing. Allele origin: germline. Affected: yes.
Comment: In silico analysis supports that this missense variant has a deleterious effect on protein structure/function; Has not been previously published as pathogenic or benign to our knowledge

Blueprint Genetics
Classification: Likely benign. Last evaluated: 2023-11-23. Review status: criteria provided, single submitter. Criteria: ACMG Guidelines, 2015. Collection method: clinical testing. Allele origin: germline.

New York Genome Center
Classification: Uncertain significance for Bardet-Biedl syndrome 20; Retinitis pigmentosa 71; Short-rib thoracic dysplasia 10 with or without polydactyly. Last evaluated: 2022-11-18. Review status: criteria provided, single submitter. Criteria: NYGC Assertion Criteria 2020. Collection method: clinical testing. Allele origin: germline. Observed: 1 heterozygote.

Fulgent Genetics
Classification: Uncertain significance for Short-rib thoracic dysplasia 10 with or without polydactyly; Retinitis pigmentosa 71; Bardet-Biedl syndrome 20. Last evaluated: 2021-12-05. Review status: criteria provided, single submitter. Criteria: ACMG Guidelines, 2015. Collection method: clinical testing. Allele origin: unknown.

PreventionGenetics, part of Exact Sciences
Classification: Uncertain significance for IFT172-related condition. Last evaluated: 2024-03-12. Review status: no assertion criteria provided. Collection method: clinical testing. Allele origin: germline. Not counted in ClinVar's aggregate classification.
Comment: The IFT172 c.4908T>G variant is predicted to result in the amino acid substitution p.His1636Gln. To our knowledge, this variant has not been reported in the literature. This variant is reported in 0.018% of alleles in individuals of African descent in gnomAD. At this time, the clinical significance of this variant is uncertain due to the absence of conclusive functional and genetic evidence.

Clinical Genetics DNA and cytogenetics Diagnostics Lab, Erasmus MC, Erasmus Medical Center
Classification: Uncertain significance. Review status: no assertion criteria provided. Collection method: clinical testing. Allele origin: germline. Affected: yes. Study: VKGL Data-share Consensus. Not counted in ClinVar's aggregate classification.

Clinical Genetics, Academic Medical Center
Classification: Uncertain significance. Review status: no assertion criteria provided. Collection method: clinical testing. Allele origin: germline. Affected: yes. Study: VKGL Data-share Consensus. Not counted in ClinVar's aggregate classification.

NM_015662.3(IFT172):c.4908T>G (p.His1636Gln)

Genes: IFT172 (intraflagellar transport 172; minus strand), KRTCAP3 (keratinocyte associated protein 3; plus strand). Cytogenetic location: 2p23.3.
Variant type: single nucleotide variant.
Coding change: c.4908T>G on transcript NM_015662.3 (MANE Select); coding-DNA position 4908, T replaced by G.
Protein change: p.His1636Gln; replaces histidine 1636 with glutamine.
Molecular consequence: missense variant. On other transcripts: intron variant (1).
Genome position (GRCh38, 1-based): chr2:27,445,751, A>C on the plus strand (T>G on the coding strand, the complement: IFT172 is on the minus strand). VCF-style: chr2-27445751-A-C. GRCh37 (hg19) VCF-style: chr2-27668618-A-C.
Other names: c.4842T>G, p.His1614Gln (NM_001410739.1); c.*6-550A>C (NM_001168364.2); c.4908T>G (NM_015662.2); short protein forms H1636Q, H1614Q.
Identifiers: ClinVar variation 1000135 (VCV001000135.15), dbSNP rs201840472, ClinGen allele CA1579433.
Genomic context (GRCh38, chr2:27,445,751, plus strand): 5'-CTCAAGGCACTCACACTGGTGAGGCCTTCCGGTTTTCCAACCCTGTGCCCTTACCGGTAC[A>C]TGCTGCTTAGCTGGGAGTGGCACCTCAAAGGGAATGTCTGTATCCTGAAAATCAGAGTGG-3'
Protein context (NP_056477.1, residues 1626-1646): PFEVPLPAKQ[His1636Gln]VPEAEREEVR